The following is an entry in ClinVar:

ClinVar aggregate classification (germline): Uncertain significance (1 of 4 stars; one submission).

Conditions:
Diamond-Blackfan anemia 21. Identifiers: MedGen C5774230, MONDO:0031071, OMIM 620072.

Submission:

St. Jude Molecular Pathology, St. Jude Children's Research Hospital
Classification: Uncertain significance for Diamond-Blackfan anemia 21. Last evaluated: 2024-10-03. Review status: criteria provided, single submitter. Criteria: St. Jude Assertion Criteria 2020. Collection method: clinical testing. Allele origin: germline.
Comment: The HEATR3 c.2024A>G (p.Glu675Gly) missense change is absent in gnomAD v2.1.1. The in silico tool REVEL predicts a benign effect of this variant on protein function, but to our knowledge functional studies have not been performed. To our knowledge, this variant has not been reported in individuals with HEATR3-related Diamond-Blackfan anemia. In summary, the evidence currently available is insufficient to determine the clinical significance of this variant. It has therefore been classified as of uncertain significance.

NM_182922.4(HEATR3):c.2024A>G (p.Glu675Gly)

Gene: HEATR3 (HEAT repeat containing 3; plus strand). Cytogenetic location: 16q12.1.
Variant type: single nucleotide variant.
Coding change: c.2024A>G on transcript NM_182922.4 (MANE Select); coding-DNA position 2024, A replaced by G.
Protein change: p.Glu675Gly; replaces glutamic acid 675 with glycine.
Molecular consequence: missense variant. On other transcripts: non-coding transcript variant (2).
Genome position (GRCh38, 1-based): chr16:50,105,042, A>G. VCF-style: chr16-50105042-A-G. GRCh37 (hg19) VCF-style: chr16-50138953-A-G.
Other names: c.1673A>G, p.Glu558Gly (NM_001329729.2, NM_001329730.2); c.1331A>G, p.Glu444Gly (NM_001329731.2); short protein forms E444G, E558G, E675G.
Identifiers: ClinVar variation 3602667 (VCV003602667.1).